The following is an entry in ClinVar:

NC_000013.10:g.(23755215_23777833)_(23899302_?)dup

Gene: SGCG (sarcoglycan gamma; plus strand). Cytogenetic location: 13q12.12.
Variant type: Duplication.
Identifiers: ClinVar variation 3374771 (VCV003374771.1).

ClinVar aggregate classification (germline): Uncertain significance (1 of 4 stars; one submission).

Submission:

Women's Health and Genetics/Laboratory Corporation of America, LabCorp
Classification: Uncertain significance. Last evaluated: 2024-09-16. Review status: criteria provided, single submitter. Criteria: LabCorp Variant Classification Summary - May 2015. Collection method: clinical testing. Allele origin: germline.
Comment: Variant summary: The variant involves the duplication of exons 2-8 in the SGCG gene. A presumed nomenclature of c.(-1+1_1-1)_(*622_?)dup has been designated for the purposes of this classification. This duplication includes the entire coding sequence of the gene. As exact breakpoints are unknown, it may extend beyond the annotated region of the gene, to include other flanking genes. The variant was absent in 21694 control chromosomes. The available data on variant occurrences in the general population are insufficient to allow any conclusion about variant significance. To our knowledge, no occurrence of c.(-1+1_1-1)_(*622_?)dup in individuals affected with Limb-Girdle Muscular Dystrophy, Autosomal Recessive and no experimental evidence demonstrating its impact on protein function have been reported. No submitters have cited clinical-significance assessments for this variant to ClinVar. Based on the evidence outlined above, the variant was classified as uncertain significance.